The following is an entry in ClinVar:

ClinVar aggregate classification (germline): Conflicting classifications of pathogenicity. Review status: criteria provided, conflicting classifications (1 of 4 stars). 2 submissions from 2 submitters: Uncertain significance (1); Likely benign (1). Last evaluated 2024-03-25.

Conditions:
Hereditary pancreatitis (PCTT). Also called: Hereditary chronic pancreatitis; PRSS1-Related Hereditary Pancreatitis. Identifiers: Orphanet 676, MedGen C0238339, MONDO:0008185, OMIM 167800.

Allele frequency attached by ClinVar (database versions not stated): gnomAD exomes below 0.00001; gnomAD 0.00001; TOPMed 0.00001.
gnomAD v4.1: 3 of 1,317,326 alleles (0.00023%); highest among the groups gnomAD compares: African/African-American, 0.003%; no homozygotes.

Submissions (2):

Ambry Genetics
Classification: Likely benign for Hereditary pancreatitis. Last evaluated: 2024-03-25. Review status: criteria provided, single submitter. Criteria: Ambry Variant Classification Scheme 2023. Collection method: clinical testing. Allele origin: germline.

Labcorp Genetics (formerly Invitae), Labcorp
Classification: Uncertain significance. Last evaluated: 2022-09-19. Review status: criteria provided, single submitter. Criteria: Invitae Variant Classification Sherloc (09022015). Collection method: clinical testing. Allele origin: germline.
Comment: This variant is not present in population databases (gnomAD no frequency). This sequence change replaces valine, which is neutral and non-polar, with leucine, which is neutral and non-polar, at codon 14 of the CPA1 protein (p.Val14Leu). This variant has not been reported in the literature in individuals affected with CPA1-related conditions. In summary, the available evidence is currently insufficient to determine the role of this variant in disease. Therefore, it has been classified as a Variant of Uncertain Significance. Algorithms developed to predict the effect of missense changes on protein structure and function are either unavailable or do not agree on the potential impact of this missense change (SIFT: "Tolerated"; PolyPhen-2: "Not Available"; Align-GVGD: "Class C0"). ClinVar contains an entry for this variant (Variation ID: 1428734).

NM_001868.4(CPA1):c.40G>C (p.Val14Leu)

Gene: CPA1 (carboxypeptidase A1; plus strand). Cytogenetic location: 7q32.2.
Variant type: single nucleotide variant.
Coding change: c.40G>C on transcript NM_001868.4 (MANE Select); coding-DNA position 40, G replaced by C.
Protein change: p.Val14Leu; replaces valine 14 with leucine.
Molecular consequence: missense variant.
Genome position (GRCh38, 1-based): chr7:130,380,560, G>C. VCF-style: chr7-130380560-G-C. GRCh37 (hg19) VCF-style: chr7-130020401-G-C.
Other names: short protein forms V14L.
Identifiers: ClinVar variation 1428734 (VCV001428734.8), dbSNP rs1378007993, ClinGen allele CA369279025.
Genomic context (GRCh38, chr7:130,380,560, plus strand): 5'-ACCTTCCCTCCCGGCAGCAGCATGCGGGGGTTGCTGGTGTTGAGTGTCCTGTTGGGGGCT[G>C]TCTTTGGCAAGGAGGACTTTGTGGGGTAGGGATGTGGAGAGGAGGGGGTGCCCTCTGAGG-3'
Protein context (NP_001859.1, residues 4-24): LLVLSVLLGA[Val14Leu]FGKEDFVGHQ